The following is an entry in ClinVar:

NM_020778.5(ALPK3):c.1612A>C (p.Ser538Arg)

Genes: ALPK3 (alpha kinase 3; plus strand), LOC111718493 (skeletal muscle cis-regulatory module overlapping ALPK3; plus strand). Cytogenetic location: 15q25.3.
Variant type: single nucleotide variant.
Coding change: c.1612A>C on transcript NM_020778.5 (MANE Select); coding-DNA position 1612, A replaced by C.
Protein change: p.Ser538Arg; replaces serine 538 with arginine.
Molecular consequence: missense variant.
Genome position (GRCh38, 1-based): chr15:84,840,891, A>C. VCF-style: chr15-84840891-A-C. GRCh37 (hg19) VCF-style: chr15-85384122-A-C.
Other names: short protein forms S538R.
Identifiers: ClinVar variation 3533542 (VCV003533542.2).

ClinVar aggregate classification (germline): Uncertain significance. Review status: criteria provided, multiple submitters, no conflicts (2 of 4 stars). 2 submissions from 2 submitters: Uncertain significance (2). Last evaluated 2025-06-20.

Conditions:
Cardiovascular phenotype. Identifiers: MedGen CN230736.

gnomAD v4.1: 1 of 1,611,696 alleles (0.000062%); highest among the groups gnomAD compares: Non-Finnish European, 0.000085%; no homozygotes.

Submissions (2):

Labcorp Genetics (formerly Invitae), Labcorp
Classification: Uncertain significance. Last evaluated: 2025-06-20. Review status: criteria provided, single submitter. Criteria: Invitae Variant Classification Sherloc (09022015). Collection method: clinical testing. Allele origin: germline.
Comment: This sequence change replaces serine, which is neutral and polar, with arginine, which is basic and polar, at codon 740 of the ALPK3 protein (p.Ser740Arg). This variant is not present in population databases (gnomAD no frequency). This variant has not been reported in the literature in individuals affected with ALPK3-related conditions. ClinVar contains an entry for this variant (Variation ID: 3533542). Invitae Evidence Modeling of protein sequence and biophysical properties (such as structural, functional, and spatial information, amino acid conservation, physicochemical variation, residue mobility, and thermodynamic stability) indicates that this missense variant is expected to disrupt ALPK3 protein function with a positive predictive value of 80%. In summary, the available evidence is currently insufficient to determine the role of this variant in disease. Therefore, it has been classified as a Variant of Uncertain Significance.

Ambry Genetics
Classification: Uncertain significance for Cardiovascular phenotype. Last evaluated: 2024-11-18. Review status: criteria provided, single submitter. Criteria: Ambry Variant Classification Scheme 2023. Collection method: clinical testing. Allele origin: germline.
Comment: The p.S740R variant (also known as c.2218A>C), located in coding exon 5 of the ALPK3 gene, results from an A to C substitution at nucleotide position 2218. The serine at codon 740 is replaced by arginine, an amino acid with dissimilar properties. This amino acid position is conserved. In addition, the in silico prediction for this alteration is inconclusive. Based on the available evidence, the clinical significance of this variant remains unclear.